The following is an entry in ClinVar:

NM_031885.5(BBS2):c.1941C>G (p.Leu647=)

Gene: BBS2 (Bardet-Biedl syndrome 2; minus strand). Cytogenetic location: 16q13.
Variant type: single nucleotide variant.
Coding change: c.1941C>G on transcript NM_031885.5 (MANE Select); coding-DNA position 1941, C replaced by G.
Protein change: p.Leu647=; no amino-acid change (leucine 647 retained).
Molecular consequence: synonymous variant. On other transcripts: non-coding transcript variant (5).
Genome position (GRCh38, 1-based): chr16:56,485,708, G>C on the plus strand (C>G on the coding strand, the complement: BBS2 is on the minus strand). VCF-style: chr16-56485708-G-C. GRCh37 (hg19) VCF-style: chr16-56519620-G-C.
Other names: c.1941C>G, p.Leu647= (NM_001377456.1).
Identifiers: ClinVar variation 4985386 (VCV004985386.1).

ClinVar aggregate classification (germline): Likely benign (1 of 4 stars; one submission).

Conditions:
BBS2-related disorder. Also called: BBS2-related condition; BBS2-related disorders. Identifiers: MedGen CN239228.

Submission:

PreventionGenetics, part of Exact Sciences
Classification: Likely benign for BBS2-related condition. Last evaluated: 2025-10-06. Review status: criteria provided, single submitter. Criteria: ACMG Guidelines, 2015. Collection method: clinical testing. Allele origin: germline.
Comment: This variant is classified as likely benign based on ACMG/AMP sequence variant interpretation guidelines (Richards et al. 2015 PMID: 25741868, with internal and published modifications).